The following is an entry in ClinVar:

NM_000548.5(TSC2):c.4645T>C (p.Tyr1549His)

Gene: TSC2 (TSC complex subunit 2; plus strand). Cytogenetic location: 16p13.3.
Variant type: single nucleotide variant.
Coding change: c.4645T>C on transcript NM_000548.5 (MANE Select); coding-DNA position 4645, T replaced by C.
Protein change: p.Tyr1549His; replaces tyrosine 1549 with histidine.
Molecular consequence: missense variant.
Genome position (GRCh38, 1-based): chr16:2,085,305, T>C. VCF-style: chr16-2085305-T-C. GRCh37 (hg19) VCF-style: chr16-2135306-T-C.
Other names: c.4444T>C, p.Tyr1482His (NM_001077183.3); c.4576T>C, p.Tyr1526His (NM_001114382.3); c.4336T>C, p.Tyr1446His (NM_001318827.2); c.4300T>C, p.Tyr1434His (NM_001318829.2); c.3913T>C, p.Tyr1305His (NM_001318831.2); c.4477T>C, p.Tyr1493His (NM_001318832.2); c.4447T>C, p.Tyr1483His (NM_001363528.2); c.4513T>C, p.Tyr1505His (NM_001370404.1); and 1 more; short protein forms Y1305H, Y1483H, Y1446H, Y1493H, Y1505H, Y1506H, Y1549H, Y1434H.
Identifiers: ClinVar variation 1519233 (VCV001519233.8), dbSNP rs45488595, ClinGen allele CA394304973.

ClinVar aggregate classification (germline): Likely pathogenic (1 of 4 stars; one submission).

Conditions:
Tuberous sclerosis 2 (TSC2). Identifiers: Orphanet 805, MedGen C1860707, MONDO:0013199, OMIM 613254.

Submission:

Labcorp Genetics (formerly Invitae), Labcorp
Classification: Likely pathogenic for Tuberous sclerosis 2. Last evaluated: 2023-06-23. Review status: criteria provided, single submitter. Criteria: Invitae Variant Classification Sherloc (09022015). Collection method: clinical testing. Allele origin: germline.
Comment: In summary, the currently available evidence indicates that the variant is pathogenic, but additional data are needed to prove that conclusively. Therefore, this variant has been classified as Likely Pathogenic. This variant disrupts the p.Tyr1549 amino acid residue in TSC2. Other variant(s) that disrupt this residue have been determined to be pathogenic (PMID: 9463313, 28178598; Invitae). This suggests that this residue is clinically significant, and that variants that disrupt this residue are likely to be disease-causing. Advanced modeling of protein sequence and biophysical properties (such as structural, functional, and spatial information, amino acid conservation, physicochemical variation, residue mobility, and thermodynamic stability) has been performed at Invitae for this missense variant, however the output from this modeling did not meet the statistical confidence thresholds required to predict the impact of this variant on TSC2 protein function. ClinVar contains an entry for this variant (Variation ID: 1519233). This variant has not been reported in the literature in individuals affected with TSC2-related conditions. This variant is not present in population databases (gnomAD no frequency). This sequence change replaces tyrosine, which is neutral and polar, with histidine, which is basic and polar, at codon 1549 of the TSC2 protein (p.Tyr1549His).

Literature cited by the submitters: PubMed 9463313; PubMed 28178598.